The following is an entry in ClinVar:

ClinVar aggregate classification (germline): Benign/Likely benign. Review status: criteria provided, multiple submitters, no conflicts (2 of 4 stars). 3 submissions from 3 submitters: Benign (1); Likely benign (2). Last evaluated 2025-03-14.

Conditions:
Hereditary cancer-predisposing syndrome. Also called: Neoplastic Syndromes, Hereditary; Hereditary Cancer Syndrome; Hereditary neoplastic syndrome; Tumor predisposition. Identifiers: Orphanet 140162, MedGen C0027672, MeSH D009386, MONDO:0015356.
Pheochromocytoma/paraganglioma syndrome 3. Also called: GLOMUS TUMORS, FAMILIAL, 3; SDHC-Related Hereditary Paraganglioma-Pheochromocytoma Syndrome; Paragangliomas 3; SDHC-Related Hereditary Paraganglioma-Pheochromocytoma Syndrome (Paragangliomas 3). Identifiers: Orphanet 29072, MedGen C1854336, MONDO:0011544, OMIM 605373.
Gastrointestinal stromal tumor. Also called: Gastrointestinal stromal tumor, somatic; Gastrointestinal stroma tumor. Identifiers: Orphanet 44890, MedGen C0238198, MeSH D046152, MONDO:0011719, OMIM 606764, HP:0100723.

Allele frequency attached by ClinVar (database versions not stated): gnomAD exomes below 0.00001; ExAC 0.00001.
gnomAD v4.1: 1 of 1,613,872 alleles (0.000062%); highest among the groups gnomAD compares: Non-Finnish European, 0.000085%; no homozygotes.

Submissions (3):

Myriad Genetics, Inc.
Classification: Benign for Pheochromocytoma/paraganglioma syndrome 3. Last evaluated: 2025-03-14. Review status: criteria provided, single submitter. Criteria: Myriad Autosomal Dominant, Autosomal Recessive and X-Linked Classification Criteria (2023). Collection method: clinical testing. Allele origin: unknown.
Comment: This variant is considered benign. This variant is a silent/synonymous amino acid change and it is not expected to impact splicing.

Labcorp Genetics (formerly Invitae), Labcorp
Classification: Likely benign for Pheochromocytoma/paraganglioma syndrome 3; Gastrointestinal stromal tumor. Last evaluated: 2024-03-25. Review status: criteria provided, single submitter. Criteria: Invitae Variant Classification Sherloc (09022015). Collection method: clinical testing. Allele origin: germline.

Ambry Genetics
Classification: Likely benign for Hereditary cancer-predisposing syndrome. Last evaluated: 2022-03-06. Review status: criteria provided, single submitter. Criteria: Ambry Variant Classification Scheme 2023. Collection method: clinical testing. Allele origin: germline.

NM_003001.5(SDHC):c.219C>T (p.Gly73=)

Gene: SDHC (succinate dehydrogenase complex subunit C; plus strand). Cytogenetic location: 1q23.3.
Variant type: single nucleotide variant.
Coding change: c.219C>T on transcript NM_003001.5 (MANE Select); coding-DNA position 219, C replaced by T.
Protein change: p.Gly73=; no amino-acid change (glycine 73 retained).
Molecular consequence: synonymous variant. On other transcripts: non-coding transcript variant (1).
Genome position (GRCh38, 1-based): chr1:161,340,633, C>T. VCF-style: chr1-161340633-C-T. GRCh37 (hg19) VCF-style: chr1-161310423-C-T.
Other names: c.219C>T, p.Gly73= (NM_001035511.3); c.117C>T, p.Gly39= (NM_001035512.3, NM_001278172.3, NM_001407118.1); c.60C>T, p.Gly20= (NM_001035513.3); c.339C>T, p.Gly113= (NM_001407115.1); c.162C>T, p.Gly54= (NM_001407116.1, NM_001407117.1, NM_001407121.1); c.108C>T, p.Gly36= (NM_001407119.1, NM_001407120.1).
Identifiers: ClinVar variation 1017115 (VCV001017115.9), dbSNP rs752049668, ClinGen allele CA046565.